The following is an entry in ClinVar:

ClinVar aggregate classification (germline): Uncertain significance. Review status: criteria provided, multiple submitters, no conflicts (2 of 4 stars). 3 submissions from 3 submitters: Uncertain significance (3). Last evaluated 2023-12-04.

Conditions:
Familial melanoma. Also called: Hereditary melanoma; Hereditary cutaneous melanoma. Identifiers: Orphanet 618, MedGen C1512419, MONDO:0018961.
Hereditary cancer-predisposing syndrome. Also called: Neoplastic Syndromes, Hereditary; Tumor predisposition; Hereditary neoplastic syndrome; Hereditary Cancer Syndrome. Identifiers: Orphanet 140162, MedGen C0027672, MeSH D009386, MONDO:0015356.

Submissions (3):

Labcorp Genetics (formerly Invitae), Labcorp
Classification: Uncertain significance for Familial melanoma. Last evaluated: 2023-12-04. Review status: criteria provided, single submitter. Criteria: Invitae Variant Classification Sherloc (09022015). Collection method: clinical testing. Allele origin: germline.
Comment: The CDKN2A gene encodes two different proteins, p16INK4a and p14ARF, which are translated from alternative transcripts with different open reading frames. Both transcripts have been analyzed. We report either the variant with the higher classification or default to the CDKN2A (p16INK4a) variant. This report therefore includes the details for the CDKN2A (p16INK4a) variant. This sequence change replaces arginine, which is basic and polar, with cysteine, which is neutral and slightly polar, at codon 112 of the CDKN2A (p16INK4a) protein (p.Arg112Cys). This variant is not present in population databases (gnomAD no frequency). This variant has not been reported in the literature in individuals affected with CDKN2A (p16INK4a)-related conditions. This variant is also known as c.377C>T (p.Pro126Leu) in CDKN2A (p14ARF) transcript. An algorithm developed to predict the effect of missense changes on protein structure and function (PolyPhen-2) suggests that this variant is likely to be tolerated. This variant disrupts the p.Arg112 amino acid residue in CDKN2A (p16INK4a). Other variant(s) that disrupt this residue have been determined to be pathogenic (PMID: 10398427, 11518711, 16307646, 20340136, 21462282). This suggests that this residue is clinically significant, and that variants that disrupt this residue are likely to be disease-causing. In summary, the available evidence is currently insufficient to determine the role of this variant in disease. Therefore, it has been classified as a Variant of Uncertain Significance.

Ambry Genetics
Classification: Uncertain significance for Hereditary cancer-predisposing syndrome. Last evaluated: 2023-11-30. Review status: criteria provided, single submitter. Criteria: Ambry Variant Classification Scheme 2023. Collection method: clinical testing. Allele origin: germline.
Comment: The p.R112C variant (also known as c.334C>T), located in coding exon 2 of the CDKN2A gene, results from a C to T substitution at nucleotide position 334. The arginine at codon 112 is replaced by cysteine, an amino acid with highly dissimilar properties. This amino acid position is well conserved in available vertebrate species. In addition, the in silico prediction for this alteration is inconclusive. Since supporting evidence is limited at this time, the clinical significance of this alteration remains unclear.

Color Diagnostics, LLC DBA Color Health
Classification: Uncertain significance for Hereditary cancer-predisposing syndrome. Last evaluated: 2023-01-30. Review status: criteria provided, single submitter. Criteria: ACMG Guidelines, 2015. Collection method: clinical testing. Allele origin: germline.
Comment: The CDKN2A locus encodes two different gene products, p16INK4a and p14ARF. This missense variant replaces arginine with cysteine at codon 112 of the CDKN2A (p16INK4A) protein. Computational prediction suggests that this variant may not impact protein structure and function (internally defined REVEL score threshold <= 0.5, PMID: 27666373). To our knowledge, functional studies have not been reported for this variant. This variant has not been reported in individuals affected with CDKN2A-related disorders in the literature. This variant has not been identified in the general population by the Genome Aggregation Database (gnomAD). The available evidence is insufficient to determine the role of this variant in disease conclusively. Therefore, this variant is classified as a Variant of Uncertain Significance.

Literature cited by the submitters: PubMed 10398427 (cited by Labcorp Genetics (formerly Invitae), Labcorp); PubMed 11518711 (cited by Labcorp Genetics (formerly Invitae), Labcorp); PubMed 16307646 (cited by Labcorp Genetics (formerly Invitae), Labcorp); PubMed 20340136 (cited by Labcorp Genetics (formerly Invitae), Labcorp); PubMed 21462282 (cited by Labcorp Genetics (formerly Invitae), Labcorp).

NM_000077.5(CDKN2A):c.334C>T (p.Arg112Cys)

Gene: CDKN2A (cyclin dependent kinase inhibitor 2A; minus strand). Cytogenetic location: 9p21.3.
Variant type: single nucleotide variant.
Coding change: c.334C>T on transcript NM_000077.5; coding-DNA position 334, C replaced by T.
Protein change: p.Arg112Cys; replaces arginine 112 with cysteine.
Molecular consequence: missense variant (on NM_000077.6). On other transcripts: 3 prime UTR variant (1).
Genome position (GRCh38, 1-based): chr9:21,971,025, G>A on the plus strand (C>T on the coding strand, the complement: CDKN2A is on the minus strand). VCF-style: chr9-21971025-G-A. GRCh37 (hg19) VCF-style: chr9-21971024-G-A.
Other names: c.334C>T, p.Arg112Cys (NM_000077.6, NM_001195132.2); c.181C>T, p.Arg61Cys (NM_001363763.2); c.377C>T, p.Pro126Leu (NM_058195.4); c.*257C>T (NM_058197.5); short protein forms R61C, P126L, R112C.
Identifiers: ClinVar variation 2775054 (VCV002775054.6), dbSNP rs876660436, ClinGen allele CA373086037.